The following is an entry in ClinVar:

NM_000193.4(SHH):c.562+319G>T

Gene: SHH (sonic hedgehog signaling molecule; minus strand). Cytogenetic location: 7q36.3.
Variant type: single nucleotide variant.
Coding change: c.562+319G>T on transcript NM_000193.4 (MANE Select); 319 bases into the intron after coding-DNA position 562, G replaced by T.
Molecular consequence: intron variant.
Genome position (GRCh38, 1-based): chr7:155,805,977, C>A on the plus strand (G>T on the coding strand, the complement: SHH is on the minus strand). VCF-style: chr7-155805977-C-A. GRCh37 (hg19) VCF-style: chr7-155598671-C-A.
Other names: c.301+319G>T (NM_001310462.2).
Identifiers: ClinVar variation 669661 (VCV000669661.1), dbSNP rs9333624, ClinGen allele CA12623183.

ClinVar aggregate classification (germline): Benign (1 of 4 stars; one submission).

Allele frequency attached by ClinVar (database versions not stated): gnomAD 0.09026 and 0.09205; TOPMed 0.09748; 1000 Genomes Project 30x 0.12695; 1000 Genomes Project 0.12819.
gnomAD v4.1: 13,631 of 152,250 alleles (9%); highest among the groups gnomAD compares: African/African-American, 23%; 1,247 homozygotes.

Submission:

GeneDx
Classification: Benign. Last evaluated: 2018-06-19. Review status: criteria provided, single submitter. Criteria: GeneDx Variant Classification (06012015). Collection method: clinical testing. Allele origin: germline. Affected: yes.
Comment: This variant is considered likely benign or benign based on one or more of the following criteria: it is a conservative change, it occurs at a poorly conserved position in the protein, it is predicted to be benign by multiple in silico algorithms, and/or has population frequency not consistent with disease.